The following is an entry in ClinVar:

NM_000051.4(ATM):c.4618G>A (p.Asp1540Asn)

Gene: ATM (ATM serine/threonine kinase; plus strand). Cytogenetic location: 11q22.3.
Variant type: single nucleotide variant.
Coding change: c.4618G>A on transcript NM_000051.4 (MANE Select); coding-DNA position 4618, G replaced by A.
Protein change: p.Asp1540Asn; replaces aspartic acid 1540 with asparagine.
Molecular consequence: missense variant.
Genome position (GRCh38, 1-based): chr11:108,293,319, G>A. VCF-style: chr11-108293319-G-A. GRCh37 (hg19) VCF-style: chr11-108164046-G-A.
Other names: c.4618G>A, p.Asp1540Asn (NM_001351834.2); short protein forms D1540N.
Identifiers: ClinVar variation 825046 (VCV000825046.14), dbSNP rs778622948, ClinGen allele CA382534574.
Genomic context (GRCh38, chr11:108,293,319, plus strand): 5'-TTACTTTAAAATTATTTCTCTCCTTATAATTTTTTCTTTTTAAATTATATTTAGGTATTG[G>A]ACTTGTTGAAATACTTAGTGATAGATAACAAGGATAATGAAAACCTCTATATCACGATTA-3'
Protein context (NP_000042.3, residues 1530-1550): EQVEVQKQVL[Asp1540Asn]LLKYLVIDNK

ClinVar aggregate classification (germline): Uncertain significance. Review status: criteria provided, multiple submitters, no conflicts (2 of 4 stars). 4 submissions from 4 submitters: Uncertain significance (3). 1 of the submissions does not count toward it. Last evaluated 2024-07-09.

Conditions:
Hereditary cancer-predisposing syndrome. Also called: Neoplastic Syndromes, Hereditary; Hereditary Cancer Syndrome; Hereditary neoplastic syndrome; Tumor predisposition. Identifiers: Orphanet 140162, MedGen C0027672, MeSH D009386, MONDO:0015356.
Ataxia-telangiectasia syndrome (AT). Also called: ATAXIA-TELANGIECTASIA, COMPLEMENTATION GROUP A; ATAXIA-TELANGIECTASIA, FRESNO VARIANT; Ataxia-telangiectasia, complementation group E; Ataxia telangiectasia (A-T); LOUIS-BAR SYNDROME; Cerebello-oculocutaneous telangiectasia. Identifiers: Orphanet 100, MedGen C0004135, MONDO:0008840, OMIM 208900.

Submissions (4):

GeneDx
Classification: Uncertain significance. Last evaluated: 2024-07-09. Review status: criteria provided, single submitter. Criteria: GeneDx Variant Classification Process June 2021. Collection method: clinical testing. Allele origin: germline. Affected: yes.
Comment: Not observed at significant frequency in large population cohorts (gnomAD); In silico analysis indicates that this missense variant does not alter protein structure/function; Has not been previously published as pathogenic or benign to our knowledge

Ambry Genetics
Classification: Uncertain significance for Hereditary cancer-predisposing syndrome. Last evaluated: 2021-11-17. Review status: criteria provided, single submitter. Criteria: Ambry Variant Classification Scheme 2023. Collection method: clinical testing. Allele origin: germline.
Comment: The p.D1540N variant (also known as c.4618G>A), located in coding exon 30 of the ATM gene, results from a G to A substitution at nucleotide position 4618. The aspartic acid at codon 1540 is replaced by asparagine, an amino acid with highly similar properties. This amino acid position is not well conserved in available vertebrate species. In addition, this alteration is predicted to be tolerated by in silico analysis. Since supporting evidence is limited at this time, the clinical significance of this alteration remains unclear.

Labcorp Genetics (formerly Invitae), Labcorp
Classification: Uncertain significance for Ataxia-telangiectasia syndrome. Last evaluated: 2021-01-01. Review status: criteria provided, single submitter. Criteria: Invitae Variant Classification Sherloc (09022015). Collection method: clinical testing. Allele origin: germline.
Comment: In summary, the available evidence is currently insufficient to determine the role of this variant in disease. Therefore, it has been classified as a Variant of Uncertain Significance. Advanced modeling of protein sequence and biophysical properties (such as structural, functional, and spatial information, amino acid conservation, physicochemical variation, residue mobility, and thermodynamic stability) performed at Invitae indicates that this missense variant is not expected to disrupt ATM protein function. This variant has not been reported in the literature in individuals with ATM-related conditions. ClinVar contains an entry for this variant (Variation ID: 825046). This variant is not present in population databases (ExAC no frequency). This sequence change replaces aspartic acid with asparagine at codon 1540 of the ATM protein (p.Asp1540Asn). The aspartic acid residue is moderately conserved and there is a small physicochemical difference between aspartic acid and asparagine.

Natera, Inc.
Classification: Uncertain significance for Ataxia-telangiectasia. Last evaluated: 2020-03-11. Review status: no assertion criteria provided. Collection method: clinical testing. Allele origin: germline. Not counted in ClinVar's aggregate classification.